The following is an entry in ClinVar:

NM_001376.5(DYNC1H1):c.5433_5433+27dup

Gene: DYNC1H1 (dynein cytoplasmic 1 heavy chain 1; plus strand). Cytogenetic location: 14q32.31.
Variant type: Duplication.
Coding change: c.5433_5433+27dup on transcript NM_001376.5 (MANE Select); coding-DNA position 5433 through 27 bases into the intron after coding-DNA position 5433, 28 bases duplicated (GGTTAGTCTCACACCTGACTCCTTCCTT).
Molecular consequence: splice donor variant.
Genome position (GRCh38, 1-based): chr14:102,005,236-102,005,263, GGTTAGTCTCACACCTGACTCCTTCCTT duplicated; duplicating any 28 consecutive bases within chr14:102,005,233-102,005,263 gives the same sequence; the c. name uses the placement nearest the transcript's 3' end. VCF-style (leftmost placement, unchanged base first): chr14-102005232-A-ACTTGGTTAGTCTCACACCTGACTCCTTC. GRCh37 (hg19) VCF-style: chr14-102471569-A-ACTTGGTTAGTCTCACACCTGACTCCTTC.
Other names: c.5433_5433+27dupGGTTAGTCTCACACCTGACTCCTTCCTT (NM_001376.4).
Identifiers: ClinVar variation 659791 (VCV000659791.8), dbSNP rs1382359405, ClinGen allele CA703165323.

ClinVar aggregate classification (germline): Uncertain significance (1 of 4 stars; one submission).

Conditions:
Charcot-Marie-Tooth disease axonal type 2O. Also called: CHARCOT-MARIE-TOOTH NEUROPATHY, AXONAL, TYPE 2O; CHARCOT-MARIE-TOOTH DISEASE, AXONAL, AUTOSOMAL DOMINANT, TYPE 2O; Charcot-Marie-Tooth Neuropathy Type 2O; Charcot-Marie-Tooth disease, axonal, type 20. Identifiers: Orphanet 284232, MedGen C3280220, MONDO:0013644, OMIM 614228.

Submission:

Labcorp Genetics (formerly Invitae), Labcorp
Classification: Uncertain significance for Charcot-Marie-Tooth disease axonal type 2O. Last evaluated: 2018-12-07. Review status: criteria provided, single submitter. Criteria: Invitae Variant Classification Sherloc (09022015). Collection method: clinical testing. Allele origin: germline.
Comment: This sequence change falls in intron 26 of the DYNC1H1 gene. It does not directly change the encoded amino acid sequence of the DYNC1H1 protein, but it affects a nucleotide within the consensus splice site of the intron. This variant is not present in population databases (ExAC no frequency). This variant has not been reported in the literature in individuals with DYNC1H1-related disease. Nucleotide substitutions within the consensus splice site are a relatively common cause of aberrant splicing (PMID: 17576681, 9536098). Algorithms developed to predict the effect of sequence changes on RNA splicing suggest that this variant may create or strengthen a splice site, but this prediction has not been confirmed by published transcriptional studies. In summary, the available evidence is currently insufficient to determine the role of this variant in disease. Therefore, it has been classified as a Variant of Uncertain Significance.

Literature cited by the submitters: PubMed 17576681; PubMed 9536098.